The following is an entry in ClinVar:

NM_020461.4(TUBGCP6):c.964A>G (p.Lys322Glu)

Gene: TUBGCP6 (tubulin gamma complex component 6; minus strand). Cytogenetic location: 22q13.33.
Variant type: single nucleotide variant.
Coding change: c.964A>G on transcript NM_020461.4 (MANE Select); coding-DNA position 964, A replaced by G.
Protein change: p.Lys322Glu; replaces lysine 322 with glutamic acid.
Molecular consequence: missense variant.
Genome position (GRCh38, 1-based): chr22:50,233,468, T>C on the plus strand (A>G on the coding strand, the complement: TUBGCP6 is on the minus strand). VCF-style: chr22-50233468-T-C. GRCh37 (hg19) VCF-style: chr22-50671897-T-C.
Other names: short protein forms K322E.
Identifiers: ClinVar variation 957742 (VCV000957742.9), dbSNP rs2064719956, ClinGen allele CA412110211.

ClinVar aggregate classification (germline): Uncertain significance (1 of 4 stars; one submission).

Submission:

Labcorp Genetics (formerly Invitae), Labcorp
Classification: Uncertain significance. Last evaluated: 2025-03-17. Review status: criteria provided, single submitter. Criteria: Invitae Variant Classification Sherloc (09022015). Collection method: clinical testing. Allele origin: germline.
Comment: This sequence change replaces lysine, which is basic and polar, with glutamic acid, which is acidic and polar, at codon 322 of the TUBGCP6 protein (p.Lys322Glu). This variant is not present in population databases (gnomAD no frequency). This variant has not been reported in the literature in individuals affected with TUBGCP6-related conditions. ClinVar contains an entry for this variant (Variation ID: 957742). An algorithm developed to predict the effect of missense changes on protein structure and function (PolyPhen-2) suggests that this variant is likely to be tolerated. In summary, the available evidence is currently insufficient to determine the role of this variant in disease. Therefore, it has been classified as a Variant of Uncertain Significance.